The following is an entry in ClinVar:

ClinVar aggregate classification (germline): Uncertain significance. Review status: criteria provided, multiple submitters, no conflicts (2 of 4 stars). 2 submissions from 2 submitters: Uncertain significance (2). Last evaluated 2024-10-14.

Conditions:
Deficiency of ferroxidase (ACEP). Also called: NEURODEGENERATION WITH BRAIN IRON ACCUMULATION 10; Ceruloplasmin deficiency; Familial apoceruloplasmin deficiency; Hereditary ceruloplasmin deficiency; Deficiency of ceruloplasmin; Aceruloplasminemia. Identifiers: Orphanet 48818, MedGen C0878682, MONDO:0011426, OMIM 604290, HP:0025498.

Allele frequency attached by ClinVar (database versions not stated): gnomAD 0.00005; gnomAD exomes 0.00005; ExAC 0.00008; TOPMed 0.00009.

Submissions (2):

Blueprint Genetics
Classification: Uncertain significance. Last evaluated: 2024-10-14. Review status: criteria provided, single submitter. Criteria: ACMG Guidelines, 2015. Collection method: clinical testing. Allele origin: germline.

Labcorp Genetics (formerly Invitae), Labcorp
Classification: Uncertain significance for Deficiency of ferroxidase. Last evaluated: 2022-08-16. Review status: criteria provided, single submitter. Criteria: Invitae Variant Classification Sherloc (09022015). Collection method: clinical testing. Allele origin: germline.
Comment: This sequence change replaces proline, which is neutral and non-polar, with serine, which is neutral and polar, at codon 876 of the CP protein (p.Pro876Ser). This variant is present in population databases (rs767188986, gnomAD 0.01%). This variant has not been reported in the literature in individuals affected with CP-related conditions. Advanced modeling of protein sequence and biophysical properties (such as structural, functional, and spatial information, amino acid conservation, physicochemical variation, residue mobility, and thermodynamic stability) performed at Invitae indicates that this missense variant is expected to disrupt CP protein function. In summary, the available evidence is currently insufficient to determine the role of this variant in disease. Therefore, it has been classified as a Variant of Uncertain Significance.

NM_000096.4(CP):c.2626C>T (p.Pro876Ser)

Gene: CP (ceruloplasmin; minus strand). Cytogenetic location: 3q24.
Variant type: single nucleotide variant.
Coding change: c.2626C>T on transcript NM_000096.4 (MANE Select); coding-DNA position 2626, C replaced by T.
Protein change: p.Pro876Ser; replaces proline 876 with serine.
Molecular consequence: missense variant. On other transcripts: non-coding transcript variant (1).
Genome position (GRCh38, 1-based): chr3:149,179,591, G>A on the plus strand (C>T on the coding strand, the complement: CP is on the minus strand). VCF-style: chr3-149179591-G-A. GRCh37 (hg19) VCF-style: chr3-148897378-G-A.
Other names: short protein forms P876S.
Identifiers: ClinVar variation 2083924 (VCV002083924.2), dbSNP rs767188986, ClinGen allele CA2660673.